The following is an entry in ClinVar:

NM_015102.5(NPHP4):c.3484G>C (p.Gly1162Arg)

Gene: NPHP4 (nephrocystin 4; minus strand). Cytogenetic location: 1p36.31.
Variant type: single nucleotide variant.
Coding change: c.3484G>C on transcript NM_015102.5 (MANE Select); coding-DNA position 3484, G replaced by C.
Protein change: p.Gly1162Arg; replaces glycine 1162 with arginine.
Molecular consequence: missense variant. On other transcripts: non-coding transcript variant (1).
Genome position (GRCh38, 1-based): chr1:5,867,104, C>G on the plus strand (G>C on the coding strand, the complement: NPHP4 is on the minus strand). VCF-style: chr1-5867104-C-G. GRCh37 (hg19) VCF-style: chr1-5927164-C-G.
Other names: c.1945G>C, p.Gly649Arg (NM_001291593.2); c.1948G>C, p.Gly650Arg (NM_001291594.2); short protein forms G649R, G650R, G1162R.
Identifiers: ClinVar variation 1481215 (VCV001481215.6), dbSNP rs1304901558, ClinGen allele CA338051320.

ClinVar aggregate classification (germline): Uncertain significance (1 of 4 stars; one submission).

Conditions:
Nephronophthisis. Also called: Juvenile Nephronophthisis. Identifiers: Orphanet 655, MedGen C0687120, MONDO:0019005, HP:0000090.

Submission:

Labcorp Genetics (formerly Invitae), Labcorp
Classification: Uncertain significance for Nephronophthisis. Last evaluated: 2021-09-26. Review status: criteria provided, single submitter. Criteria: Invitae Variant Classification Sherloc (09022015). Collection method: clinical testing. Allele origin: germline.
Comment: In summary, the available evidence is currently insufficient to determine the role of this variant in disease. Therefore, it has been classified as a Variant of Uncertain Significance. Algorithms developed to predict the effect of missense changes on protein structure and function are either unavailable or do not agree on the potential impact of this missense change (SIFT: "Deleterious"; PolyPhen-2: "Probably Damaging"; Align-GVGD: "Class C0"). This variant has not been reported in the literature in individuals affected with NPHP4-related conditions. This variant is not present in population databases (ExAC no frequency). This sequence change replaces glycine with arginine at codon 1162 of the NPHP4 protein (p.Gly1162Arg). The glycine residue is moderately conserved and there is a moderate physicochemical difference between glycine and arginine.